The following is an entry in ClinVar:

ClinVar aggregate classification (germline): Uncertain significance (1 of 4 stars; one submission).

Conditions:
Norman-Roberts syndrome (LIS2). Also called: Lissencephaly 2 (Norman-Roberts type). Identifiers: Orphanet 89844, MedGen C0796089, MONDO:0009760, OMIM 257320.
Familial temporal lobe epilepsy 7. Identifiers: Orphanet 101046, MedGen C4225327, MONDO:0014639, OMIM 616436.

Submission:

Labcorp Genetics (formerly Invitae), Labcorp
Classification: Uncertain significance for Familial temporal lobe epilepsy 7; Norman-Roberts syndrome. Last evaluated: 2026-02-02. Review status: criteria provided, single submitter. Criteria: Invitae Variant Classification Sherloc (09022015). Collection method: clinical testing. Allele origin: germline.
Comment: This sequence change replaces proline, which is neutral and non-polar, with threonine, which is neutral and polar, at codon 3352 of the RELN protein (p.Pro3352Thr). The frequency data for this variant in the population databases is considered unreliable, as metrics indicate poor data quality at this position in the gnomAD database. This variant has not been reported in the literature in individuals affected with RELN-related conditions. ClinVar contains an entry for this variant (Variation ID: 1403999). Invitae Evidence Modeling of protein sequence and biophysical properties (such as structural, functional, and spatial information, amino acid conservation, physicochemical variation, residue mobility, and thermodynamic stability) indicates that this missense variant is not expected to disrupt RELN protein function with a negative predictive value of 80%. In summary, the available evidence is currently insufficient to determine the role of this variant in disease. Therefore, it has been classified as a Variant of Uncertain Significance.

NM_005045.4(RELN):c.10054C>A (p.Pro3352Thr)

Genes: SLC26A5-AS1 (SLC26A5 antisense RNA 1; plus strand), RELN (reelin; minus strand). Cytogenetic location: 7q22.1.
Variant type: single nucleotide variant.
Coding change: c.10054C>A on transcript NM_005045.4 (MANE Select); coding-DNA position 10054, C replaced by A.
Protein change: p.Pro3352Thr; replaces proline 3352 with threonine.
Molecular consequence: missense variant.
Genome position (GRCh38, 1-based): chr7:103,483,780, G>T on the plus strand (C>A on the coding strand, the complement: RELN is on the minus strand). VCF-style: chr7-103483780-G-T. GRCh37 (hg19) VCF-style: chr7-103124227-G-T.
Other names: c.10054C>A, p.Pro3352Thr (NM_173054.3); short protein forms P3352T.
Identifiers: ClinVar variation 1403999 (VCV001403999.8), dbSNP rs1202492754, ClinGen allele CA368739118.